The following is an entry in ClinVar:

ClinVar aggregate classification (germline): Uncertain significance (1 of 4 stars; one submission).

Allele frequency attached by ClinVar (database versions not stated): ExAC 0.00001.
gnomAD v4.1: 1 of 1,613,064 alleles (0.000062%); highest among the groups gnomAD compares: Admixed American, 0.0017%; no homozygotes.

Submission:

Labcorp Genetics (formerly Invitae), Labcorp
Classification: Uncertain significance. Last evaluated: 2022-06-15. Review status: criteria provided, single submitter. Criteria: Invitae Variant Classification Sherloc (09022015). Collection method: clinical testing. Allele origin: germline.
Comment: Algorithms developed to predict the effect of missense changes on protein structure and function are either unavailable or do not agree on the potential impact of this missense change (SIFT: "Tolerated"; PolyPhen-2: "Probably Damaging"; Align-GVGD: "Class C0"). This variant has not been reported in the literature in individuals affected with FGFR3-related conditions. This variant is present in population databases (rs755495007, gnomAD 0.003%). This sequence change replaces glutamic acid, which is acidic and polar, with lysine, which is basic and polar, at codon 709 of the FGFR3 protein (p.Glu709Lys). In summary, the available evidence is currently insufficient to determine the role of this variant in disease. Therefore, it has been classified as a Variant of Uncertain Significance.

NM_000142.5(FGFR3):c.2125G>A (p.Glu709Lys)

Gene: FGFR3 (fibroblast growth factor receptor 3; plus strand). Cytogenetic location: 4p16.3.
Variant type: single nucleotide variant.
Coding change: c.2125G>A on transcript NM_000142.5 (MANE Select); coding-DNA position 2125, G replaced by A.
Protein change: p.Glu709Lys; replaces glutamic acid 709 with lysine.
Molecular consequence: missense variant. On other transcripts: non-coding transcript variant (1).
Genome position (GRCh38, 1-based): chr4:1,806,640, G>A. VCF-style: chr4-1806640-G-A. GRCh37 (hg19) VCF-style: chr4-1808367-G-A.
Other names: c.2131G>A, p.Glu711Lys (NM_001163213.2); c.2128G>A, p.Glu710Lys (NM_001354809.2); c.2057G>A, p.Gly686Glu (NM_001354810.2); c.1789G>A, p.Glu597Lys (NM_022965.4); short protein forms E597K, E709K, G686E, E710K, E711K.
Identifiers: ClinVar variation 1957594 (VCV001957594.5), dbSNP rs755495007, ClinGen allele CA2810724.